The following is an entry in ClinVar:

ClinVar aggregate classification (germline): Uncertain significance (1 of 4 stars; one submission).

Allele frequency attached by ClinVar (database versions not stated): gnomAD exomes 0.00001.
gnomAD v4.1: 5 of 1,189,844 alleles (0.00042%); highest among the groups gnomAD compares: Non-Finnish European, 0.00046%; no homozygotes.

Submission:

CeGaT Center for Human Genetics Tuebingen
Classification: Uncertain significance. Last evaluated: 2024-08-01. Review status: criteria provided, single submitter. Criteria: CeGaT Center For Human Genetics Tuebingen Variant Classification Criteria Version 2. Collection method: clinical testing. Allele origin: germline. Affected: yes. Observed: 1 variant allele.
Comment: SMS: PM2

NM_004595.5(SMS):c.727A>G (p.Asn243Asp)

Gene: SMS (spermine synthase; plus strand). Cytogenetic location: Xp22.11.
Variant type: single nucleotide variant.
Coding change: c.727A>G on transcript NM_004595.5 (MANE Select); coding-DNA position 727, A replaced by G.
Protein change: p.Asn243Asp; replaces asparagine 243 with aspartic acid.
Molecular consequence: missense variant.
Genome position (GRCh38, 1-based): chrX:21,978,943, A>G. VCF-style: chrX-21978943-A-G. GRCh37 (hg19) VCF-style: chrX-21997061-A-G.
Other names: c.568A>G, p.Asn190Asp (NM_001258423.2); short protein forms N190D, N243D.
Identifiers: ClinVar variation 3239402 (VCV003239402.19), dbSNP rs2519671220.